The following is an entry in ClinVar:

NM_001142285.2(RPS24):c.655G>A (p.Gly219Arg)

Gene: RPS24 (ribosomal protein S24; plus strand). Cytogenetic location: 10q22.3.
Variant type: single nucleotide variant.
Coding change: c.655G>A on transcript NM_001142285.2; coding-DNA position 655, G replaced by A.
Protein change: p.Gly219Arg; replaces glycine 219 with arginine.
Molecular consequence: missense variant.
Genome position (GRCh38, 1-based): chr10:78,054,795, G>A. VCF-style: chr10-78054795-G-A. GRCh37 (hg19) VCF-style: chr10-79814553-G-A.
Other names: short protein forms G219R.
Identifiers: ClinVar variation 3602698 (VCV003602698.1).

ClinVar aggregate classification (germline): Uncertain significance (1 of 4 stars; one submission).

Conditions:
Diamond-Blackfan anemia 3 (DBA3). Also called: RPS24-Related Diamond-Blackfan Anemia. Identifiers: Orphanet 124, MedGen C1857719, MONDO:0012529, OMIM 610629.

gnomAD v4.1: 46 of 1,551,606 alleles (0.003%); highest among the groups gnomAD compares: African/African-American, 0.059%; no homozygotes.

Submission:

St. Jude Molecular Pathology, St. Jude Children's Research Hospital
Classification: Uncertain significance for Diamond-Blackfan anemia 3. Last evaluated: 2024-11-21. Review status: criteria provided, single submitter. Criteria: St. Jude Assertion Criteria 2020. Collection method: clinical testing. Allele origin: germline.
Comment: The RPS24 c.655G>A (p.Gly219Arg) missense change has a maximum subpopulation frequency of 0.072% in gnomAD v2.1.1. The in silico tool REVEL predicts a benign effect on protein function, but to our knowledge this prediction has not been confirmed by functional studies. To our knowledge, this variant has not been reported in individuals with Diamond-Blackfan anemia. In summary, the evidence currently available is insufficient to determine the clinical significance of this variant. It has therefore been classified as of uncertain significance.